The following is an entry in ClinVar:

NC_000006.12:g.(?_42923027)_(42984704_?)dup

Genes: PEX6 (peroxisomal biogenesis factor 6; minus strand), GNMT (glycine N-methyltransferase; plus strand), PTCRA (pre T cell antigen receptor alpha; plus strand), CNPY3 (canopy FGF signaling regulator 3; plus strand), PPP2R5D (protein phosphatase 2 regulatory subunit B'delta; plus strand). Cytogenetic location: 6p21.1.
Variant type: Duplication.
Identifiers: ClinVar variation 833415 (VCV000833415.1).

ClinVar aggregate classification (germline): Uncertain significance (1 of 4 stars; one submission).

Conditions:
Peroxisome biogenesis disorder. Identifiers: Orphanet 79189, MedGen C1832200, MONDO:0019234. Disease mechanism: loss of function.

Submission:

Labcorp Genetics (formerly Invitae), Labcorp
Classification: Uncertain significance for Peroxisome biogenesis disorders, Zellweger syndrome spectrum. Last evaluated: 2019-11-08. Review status: criteria provided, single submitter. Criteria: Invitae Variant Classification Sherloc (09022015). Collection method: clinical testing. Allele origin: germline.
Comment: This variant results in a copy number gain of the genomic region encompassing the full coding sequence of the PEX6 gene. The boundaries of this event are unknown as they extend beyond the assayed region for this gene and therefore may encompass additional genes. As the precise location of this event is unknown, it may be in tandem or it may be located elsewhere in the genome. This variant has not been reported in the literature in individuals with PEX6-related conditions. In summary, the available evidence is currently insufficient to determine the role of this variant in disease. Therefore, it has been classified as a Variant of Uncertain Significance.